The following is an entry in ClinVar:

NM_015272.5(RPGRIP1L):c.1421A>C (p.Asn474Thr)

Gene: RPGRIP1L (RPGRIP1 like; minus strand). Cytogenetic location: 16q12.2.
Variant type: single nucleotide variant.
Coding change: c.1421A>C on transcript NM_015272.5 (MANE Select); coding-DNA position 1421, A replaced by C.
Protein change: p.Asn474Thr; replaces asparagine 474 with threonine.
Molecular consequence: missense variant.
Genome position (GRCh38, 1-based): chr16:53,657,613, T>G on the plus strand (A>C on the coding strand, the complement: RPGRIP1L is on the minus strand). VCF-style: chr16-53657613-T-G. GRCh37 (hg19) VCF-style: chr16-53691525-T-G.
Other names: c.1421A>C, p.Asn474Thr (NM_001127897.4, NM_001308334.3, NM_001330538.2); c.1421A>C (NM_015272.2); short protein forms N474T.
Identifiers: ClinVar variation 3356412 (VCV003356412.3).

ClinVar aggregate classification (germline): Uncertain significance. Review status: criteria provided, multiple submitters, no conflicts (2 of 4 stars). 2 submissions from 2 submitters: Uncertain significance (2). Last evaluated 2026-09-02.

Conditions:
RPGRIP1L-related disorder. Also called: RPGRIP1L-related disorders; RPGRIP1L-related condition. Identifiers: MedGen CN239416.

Submissions (2):

PreventionGenetics, part of Exact Sciences
Classification: Uncertain significance for RPGRIP1L-related condition. Last evaluated: 2026-09-02. Review status: criteria provided, single submitter. Criteria: ACMG Guidelines, 2015. Collection method: clinical testing. Allele origin: germline.
Comment: The RPGRIP1L c.1421A>C variant is predicted to result in the amino acid substitution p.Asn474Thr. To our knowledge, this variant has not been reported in the literature or in a large population database (gnomAD), indicating this variant is rare. At this time, the clinical significance of this variant is uncertain due to the absence of conclusive functional and genetic evidence.

GeneDx
Classification: Uncertain significance. Last evaluated: 2025-05-23. Review status: criteria provided, single submitter. Criteria: GeneDx Variant Classification Process June 2021. Collection method: clinical testing. Allele origin: germline. Affected: yes.
Comment: Not observed at significant frequency in large population cohorts (gnomAD); In silico analysis suggests that this missense variant does not alter protein structure/function; Has not been previously published as pathogenic or benign to our knowledge